The following is an entry in ClinVar:

NM_006944.3(SPP2):c.41T>C (p.Ile14Thr)

Gene: SPP2 (secreted phosphoprotein 2; plus strand). Cytogenetic location: 2q37.1.
Variant type: single nucleotide variant.
Coding change: c.41T>C on transcript NM_006944.3 (MANE Select); coding-DNA position 41, T replaced by C.
Protein change: p.Ile14Thr; replaces isoleucine 14 with threonine.
Molecular consequence: missense variant.
Genome position (GRCh38, 1-based): chr2:234,050,827, T>C. VCF-style: chr2-234050827-T-C. GRCh37 (hg19) VCF-style: chr2-234959471-T-C.
Other names: short protein forms I14T.
Identifiers: ClinVar variation 4725774 (VCV004725774.1).
Genomic context (GRCh38, chr2:234,050,827, plus strand): 5'-TCTGTCTCTCGATTACAATCATGATTTCCAGAATGGAGAAGATGACGATGATGATGAAGA[T>C]ATTGATTATGTTTGCTCTTGGAATGAACTACTGGTCTTGCTCAGGTAAGGTATTCACCAA-3'
Protein context (NP_008875.1, residues 4-24): RMEKMTMMMK[Ile14Thr]LIMFALGMNY

ClinVar aggregate classification (germline): Uncertain significance (1 of 4 stars; one submission).

gnomAD v4.1: 2 of 1,614,048 alleles (0.00012%); highest among the groups gnomAD compares: Non-Finnish European, 0.00017%; no homozygotes.

Submission:

Labcorp Genetics (formerly Invitae), Labcorp
Classification: Uncertain significance. Last evaluated: 2025-08-20. Review status: criteria provided, single submitter. Criteria: Invitae Variant Classification Sherloc (09022015). Collection method: clinical testing. Allele origin: germline.
Comment: This sequence change replaces isoleucine, which is neutral and non-polar, with threonine, which is neutral and polar, at codon 14 of the SPP2 protein (p.Ile14Thr). This variant is not present in population databases (gnomAD no frequency). This variant has not been reported in the literature in individuals affected with SPP2-related conditions. An algorithm developed to predict the effect of missense changes on protein structure and function outputs the following: PolyPhen-2: "Benign". The threonine amino acid residue is found in multiple mammalian species, which suggests that this missense change does not adversely affect protein function. In summary, the available evidence is currently insufficient to determine the role of this variant in disease. Therefore, it has been classified as a Variant of Uncertain Significance.